The following is an entry in ClinVar:

ClinVar aggregate classification (germline): Uncertain significance (1 of 4 stars; one submission).

Submission:

GeneDx
Classification: Uncertain significance. Last evaluated: 2023-07-30. Review status: criteria provided, single submitter. Criteria: GeneDx Variant Classification Process June 2021. Collection method: clinical testing. Allele origin: germline. Affected: yes.
Comment: Has not been previously published as pathogenic or benign to our knowledge; Not observed at significant frequency in large population cohorts (gnomAD); In silico analysis supports that this missense variant has a deleterious effect on protein structure/function

NM_182931.3(KMT2E):c.182A>G (p.Tyr61Cys)

Gene: KMT2E (lysine methyltransferase 2E (inactive); plus strand). Cytogenetic location: 7q22.3.
Variant type: single nucleotide variant.
Coding change: c.182A>G on transcript NM_182931.3 (MANE Select); coding-DNA position 182, A replaced by G.
Protein change: p.Tyr61Cys; replaces tyrosine 61 with cysteine.
Molecular consequence: missense variant.
Genome position (GRCh38, 1-based): chr7:105,062,274, A>G. VCF-style: chr7-105062274-A-G. GRCh37 (hg19) VCF-style: chr7-104702721-A-G.
Other names: c.182A>G, p.Tyr61Cys (NM_001410908.1, NM_018682.4); short protein forms Y61C.
Identifiers: ClinVar variation 3361727 (VCV003361727.1).